The following is an entry in ClinVar:

ClinVar aggregate classification (germline): Uncertain significance (1 of 4 stars; one submission).

Conditions:
Generalized epilepsy with febrile seizures plus, type 7 (GEFSP7). Also called: GEFS+, TYPE 7. Identifiers: Orphanet 36387, MedGen C2751778, MONDO:0013470, OMIM 613863.
Neuropathy, hereditary sensory and autonomic, type 2A (HSAN2A). Also called: ACROOSTEOLYSIS, NEUROGENIC; ACROOSTEOLYSIS, GIACCAI TYPE; MORVAN DISEASE; WNK1-Related HSAN2 (HSAN2A); NEUROPATHY, CONGENITAL SENSORY; NEUROPATHY, HEREDITARY SENSORY RADICULAR, AUTOSOMAL RECESSIVE. Identifiers: Orphanet 970, MedGen C2752089, MONDO:0024309, OMIM 201300.

Allele frequency attached by ClinVar (database versions not stated): gnomAD exomes 0.00001.
gnomAD v4.1: 1 of 1,557,656 alleles (0.000064%); no homozygotes.

Submission:

Labcorp Genetics (formerly Invitae), Labcorp
Classification: Uncertain significance for Neuropathy, hereditary sensory and autonomic, type 2A; Generalized epilepsy with febrile seizures plus, type 7. Last evaluated: 2022-08-31. Review status: criteria provided, single submitter. Criteria: Invitae Variant Classification Sherloc (09022015). Collection method: clinical testing. Allele origin: germline.
Comment: In summary, the available evidence is currently insufficient to determine the role of this variant in disease. Therefore, it has been classified as a Variant of Uncertain Significance. Algorithms developed to predict the effect of missense changes on protein structure and function (SIFT, PolyPhen-2, Align-GVGD) all suggest that this variant is likely to be tolerated. ClinVar contains an entry for this variant (Variation ID: 1446674). This variant has not been reported in the literature in individuals affected with SCN9A-related conditions. The frequency data for this variant in the population databases is considered unreliable, as metrics indicate poor data quality at this position in the gnomAD database. This sequence change replaces isoleucine, which is neutral and non-polar, with methionine, which is neutral and non-polar, at codon 767 of the SCN9A protein (p.Ile767Met).

NM_001365536.1(SCN9A):c.2334A>G (p.Ile778Met)

Genes: SCN1A-AS1 (SCN1A and SCN9A antisense RNA 1; plus strand), SCN9A (sodium voltage-gated channel alpha subunit 9; minus strand). Cytogenetic location: 2q24.3.
Variant type: single nucleotide variant.
Coding change: c.2334A>G on transcript NM_001365536.1 (MANE Select); coding-DNA position 2334, A replaced by G.
Protein change: p.Ile778Met; replaces isoleucine 778 with methionine.
Molecular consequence: missense variant.
Genome position (GRCh38, 1-based): chr2:166,280,366, T>C on the plus strand (A>G on the coding strand, the complement: SCN9A is on the minus strand). VCF-style: chr2-166280366-T-C. GRCh37 (hg19) VCF-style: chr2-167136876-T-C.
Other names: c.2301A>G, p.Ile767Met (NM_002977.4); short protein forms I778M, I767M.
Identifiers: ClinVar variation 1446674 (VCV001446674.6), dbSNP rs200610859, ClinGen allele CA59796515.